The following is an entry in ClinVar:

NM_015189.3(EXOC6B):c.985C>A (p.Pro329Thr)

Gene: EXOC6B (exocyst complex component 6B; minus strand). Cytogenetic location: 2p13.2.
Variant type: single nucleotide variant.
Coding change: c.985C>A on transcript NM_015189.3 (MANE Select); coding-DNA position 985, C replaced by A.
Protein change: p.Pro329Thr; replaces proline 329 with threonine.
Molecular consequence: missense variant. On other transcripts: non-coding transcript variant (2).
Genome position (GRCh38, 1-based): chr2:72,515,057, G>T on the plus strand (C>A on the coding strand, the complement: EXOC6B is on the minus strand). VCF-style: chr2-72515057-G-T. GRCh37 (hg19) VCF-style: chr2-72742186-G-T.
Other names: c.985C>A, p.Pro329Thr (NM_001321729.2, NM_001321730.2, NM_001321731.2 and 1 more transcripts); c.646C>A, p.Pro216Thr (NM_001321734.2); short protein forms P329T, P216T.
Identifiers: ClinVar variation 1973974 (VCV001973974.5), dbSNP rs1558752074, ClinGen allele CA347431117.
Genomic context (GRCh38, chr2:72,515,057, plus strand): 5'-AGGAGGAAAAGTAAAAATGTGAGAAAAGTGAAGATGGTAATCCTACCATGTTAGATGGAG[G>T]TTGAAGTACCAAACGAGCCTGTTTTCGCCTCTGTTTTCGGTAGTAATTCTCAAATGTTTC-3'
Protein context (NP_056004.1, residues 319-339): RRKQARLVLQ[Pro329Thr]PSNMHETLDG

ClinVar aggregate classification (germline): Uncertain significance (1 of 4 stars; one submission).

Submission:

Labcorp Genetics (formerly Invitae), Labcorp
Classification: Uncertain significance. Last evaluated: 2022-08-17. Review status: criteria provided, single submitter. Criteria: Invitae Variant Classification Sherloc (09022015). Collection method: clinical testing. Allele origin: germline.
Comment: This sequence change replaces proline, which is neutral and non-polar, with threonine, which is neutral and polar, at codon 329 of the EXOC6B protein (p.Pro329Thr). This variant is not present in population databases (gnomAD no frequency). In summary, the available evidence is currently insufficient to determine the role of this variant in disease. Therefore, it has been classified as a Variant of Uncertain Significance. Experimental studies and prediction algorithms are not available or were not evaluated, and the functional significance of this variant is currently unknown. This variant has not been reported in the literature in individuals affected with EXOC6B-related conditions.